The following is an entry in ClinVar:

ClinVar aggregate classification (germline): Uncertain significance. Review status: criteria provided, multiple submitters, no conflicts (2 of 4 stars). 7 submissions from 7 submitters: Uncertain significance (7). Last evaluated 2026-02-03.

Conditions:
Familial cold autoinflammatory syndrome 2 (FCAS2). Identifiers: Orphanet 247868, MedGen C2673198, MONDO:0012724, OMIM 611762.

Allele frequency attached by ClinVar (database versions not stated): TOPMed 0.00006; gnomAD 0.00007 and 0.00008; gnomAD exomes 0.00011; ExAC 0.00012; 1000 Genomes Project 30x 0.00031; 1000 Genomes Project 0.00040.
gnomAD v4.1: 100 of 1,614,164 alleles (0.0062%); highest among the groups gnomAD compares: Middle Eastern, 0.049%; no homozygotes.

Submissions (7):

Labcorp Genetics (formerly Invitae), Labcorp
Classification: Uncertain significance for Familial cold autoinflammatory syndrome 2. Last evaluated: 2026-02-03. Review status: criteria provided, single submitter. Criteria: Invitae Variant Classification Sherloc (09022015). Collection method: clinical testing. Allele origin: germline.
Comment: This sequence change replaces alanine, which is neutral and non-polar, with aspartic acid, which is acidic and polar, at codon 629 of the NLRP12 protein (p.Ala629Asp). This variant is present in population databases (rs146250162, gnomAD 0.08%), and has an allele count higher than expected for a pathogenic variant. This missense change has been observed in individual(s) with common variable immunodeficiency (PMID: 25064839). ClinVar contains an entry for this variant (Variation ID: 469090). Invitae Evidence Modeling of protein sequence and biophysical properties (such as structural, functional, and spatial information, amino acid conservation, physicochemical variation, residue mobility, and thermodynamic stability) indicates that this missense variant is expected to disrupt NLRP12 protein function with a positive predictive value of 80%. In summary, the available evidence is currently insufficient to determine the role of this variant in disease. Therefore, it has been classified as a Variant of Uncertain Significance.

Dasa
Classification: Uncertain significance. Last evaluated: 2025-04-27. Review status: criteria provided, single submitter. Criteria: DASA Assertion Criteria. Collection method: clinical testing. Allele origin: germline.
Comment: NM_144687.4(NLRP12):c.1886C>A (p.Ala629Asp) is a missense variant that results in the substitution of alanine with aspartic acid. This variant has been reported in individuals with NLRP12-related disorders (PMID: 25064839). Also, this variant is rare in population databases. Computational prediction algorithms are consistent with a deleterious effect. The currently available literature and clinical evidence are not sufficient to establish a definitive association between this variant and the reported condition. Therefore, this variant is classified as a variant of uncertain significance.

CeGaT Center for Human Genetics Tuebingen
Classification: Uncertain significance. Last evaluated: 2024-11-01. Review status: criteria provided, single submitter. Criteria: CeGaT Center For Human Genetics Tuebingen Variant Classification Criteria Version 2. Collection method: clinical testing. Allele origin: germline. Affected: yes. Observed: 2 variant alleles.

Blueprint Genetics
Classification: Uncertain significance. Last evaluated: 2024-10-29. Review status: criteria provided, single submitter. Criteria: ACMG Guidelines, 2015. Collection method: clinical testing. Allele origin: germline.

ARUP Laboratories, Molecular Genetics and Genomics, ARUP Laboratories
Classification: Uncertain significance for Familial cold autoinflammatory syndrome 2. Last evaluated: 2024-09-20. Review status: criteria provided, single submitter. Criteria: ARUP Molecular Germline Variant Investigation Process 2024. Collection method: clinical testing. Allele origin: germline.
Comment: The NLRP12 c.1886C>A; p.Ala629Asp variant (rs146250162, ClinVar Variation ID 469090) is reported in the literature in an individual affected with common variable immunodeficiency (Borte 2014). This variant is found in the general population with an overall allele frequency of 0.011% (32/282808 alleles) in the Genome Aggregation Database (v2.1.1). Computational analyses predict that this variant is deleterious (REVEL: 0.905). Due to limited information, the clinical significance of this variant is uncertain at this time. References: Borte S et al. Novel NLRP12 mutations associated with intestinal amyloidosis in a patient diagnosed with common variable immunodeficiency. Clin Immunol. 2014 Oct;154(2):105-11. PMID: 25064839.

Fulgent Genetics
Classification: Uncertain significance for Familial cold autoinflammatory syndrome 2. Last evaluated: 2022-04-11. Review status: criteria provided, single submitter. Criteria: ACMG Guidelines, 2015. Collection method: clinical testing. Allele origin: unknown.

GeneDx
Classification: Uncertain significance. Last evaluated: 2019-10-24. Review status: criteria provided, single submitter. Criteria: GeneDx Variant Classification Process June 2021. Collection method: clinical testing. Allele origin: germline. Affected: yes.
Comment: In silico analysis, which includes protein predictors and evolutionary conservation, supports a deleterious effect; Observed in an individual with common variable immunodeficiency, polyarticular arthritis, and intestinal inflammatory amyloidosis, but familial segregation information was not provided (Borte et al., 2014); This variant is associated with the following publications: (PMID: 25064839)

Literature cited by the submitters: PubMed 25064839 (cited by Labcorp Genetics (formerly Invitae), Labcorp and Dasa).

NM_144687.4(NLRP12):c.1886C>A (p.Ala629Asp)

Gene: NLRP12 (NLR family pyrin domain containing 12; minus strand). Cytogenetic location: 19q13.42.
Variant type: single nucleotide variant.
Coding change: c.1886C>A on transcript NM_144687.4 (MANE Select); coding-DNA position 1886, C replaced by A.
Protein change: p.Ala629Asp; replaces alanine 629 with aspartic acid.
Molecular consequence: missense variant.
Genome position (GRCh38, 1-based): chr19:53,809,773, G>T on the plus strand (C>A on the coding strand, the complement: NLRP12 is on the minus strand). VCF-style: chr19-53809773-G-T. GRCh37 (hg19) VCF-style: chr19-54313027-G-T.
Other names: c.1886C>A, p.Ala629Asp (NM_001277126.2, NM_001277129.1); c.1886C>A (NM_144687.2); short protein forms A629D.
Identifiers: ClinVar variation 469090 (VCV000469090.56), dbSNP rs146250162, ClinGen allele CA9639325.